The following is an entry in ClinVar:

ClinVar aggregate classification (germline): Pathogenic/Likely pathogenic. Review status: criteria provided, multiple submitters, no conflicts (2 of 4 stars). 4 submissions from 4 submitters: Pathogenic (2); Likely pathogenic (1). 1 of the submissions does not count toward it. Last evaluated 2022-08-12.

Conditions:
G6PD ANDALUS.
Anemia, nonspherocytic hemolytic, due to G6PD deficiency (CNSHA1). Also called: Class I glucose-6-phosphate dehydrogenase deficiency; Favism, susceptibility to; ANEMIA, CONGENITAL, NONSPHEROCYTIC HEMOLYTIC, 1; Hemolytic anemia due to G6PD deficiency. Identifiers: Orphanet 466026, MedGen C2720289, MONDO:0010480, OMIM 300908.

Allele frequency attached by ClinVar (database versions not stated): gnomAD exomes below 0.00001 and 0.00001.
gnomAD v4.1: 2 of 1,211,633 alleles (0.00017%); highest among the groups gnomAD compares: Non-Finnish European, 0.00011%; no homozygotes.

Submissions (4):

Dunham Lab, University of Washington
Classification: Pathogenic for Anemia, nonspherocytic hemolytic, due to G6PD deficiency. Last evaluated: 2022-08-12. Review status: criteria provided, single submitter. Criteria: Bayesian ACMG Guidelines, 2018. Collection method: curation. Allele origin: unknown. Affected: yes.
Comment: Variant found in unrelated hemizygotes with deficiency and jaundice, favism, and CNSHA (PS4_M, PP4). Decreased activity in red blood cells and when expressed in E. coli (PS3). Affects same amino acid as pathogenic 454R>C (ClinVar ID 93493) (PM5). Below expected carrier frequency in gnomAD (PM2). Post_P 0.997 (odds of pathogenicity 3158, Prior_P 0.1).

Labcorp Genetics (formerly Invitae), Labcorp
Classification: Pathogenic for Anemia, nonspherocytic hemolytic, due to G6PD deficiency. Last evaluated: 2022-05-05. Review status: criteria provided, single submitter. Criteria: Invitae Variant Classification Sherloc (09022015). Collection method: clinical testing. Allele origin: germline.
Comment: For these reasons, this variant has been classified as Pathogenic. This sequence change replaces arginine, which is basic and polar, with histidine, which is basic and polar, at codon 454 of the G6PD protein (p.Arg454His). The frequency data for this variant in the population databases is considered unreliable, as metrics indicate poor data quality at this position in the gnomAD database. This missense change has been observed in individual(s) with favism (PMID: 2393028, 12497642). ClinVar contains an entry for this variant (Variation ID: 10379). Advanced modeling of protein sequence and biophysical properties (such as structural, functional, and spatial information, amino acid conservation, physicochemical variation, residue mobility, and thermodynamic stability) performed at Invitae indicates that this missense variant is expected to disrupt G6PD protein function. Experimental studies have shown that this missense change affects G6PD function (PMID: 16088936). This variant disrupts the p.Arg454 amino acid residue in G6PD. Other variant(s) that disrupt this residue have been determined to be pathogenic (PMID: 10221015, 12497642, 16088936, 22293322, 26823837). This suggests that this residue is clinically significant, and that variants that disrupt this residue are likely to be disease-causing.

Genetics and Genomic Medicine Centre, NeuroGen Healthcare, NeuroGen Healthcare
Classification: Likely pathogenic for Anemia, nonspherocytic hemolytic, due to G6PD deficiency. Last evaluated: 2022-01-31. Review status: criteria provided, single submitter. Criteria: Submitter's publication. Collection method: clinical testing. Allele origin: unknown. Affected: no.

OMIM
Classification: other for G6PD ANDALUS. Last evaluated: 2017-05-24. Review status: no assertion criteria provided. Collection method: literature only. Allele origin: germline. Not counted in ClinVar's aggregate classification.

Literature cited by the submitters: PubMed 12497642 (cited by Dunham Lab, University of Washington and Labcorp Genetics (formerly Invitae), Labcorp); PubMed 2393028 (cited by Dunham Lab, University of Washington and Labcorp Genetics (formerly Invitae), Labcorp); PubMed 16607506 (cited by Dunham Lab, University of Washington); PubMed 8193373 (cited by Dunham Lab, University of Washington); PubMed 31489982 (cited by Dunham Lab, University of Washington); PubMed 16088936 (cited by Dunham Lab, University of Washington and Labcorp Genetics (formerly Invitae), Labcorp); PubMed 10221015 (cited by Labcorp Genetics (formerly Invitae), Labcorp); PubMed 22293322 (cited by Labcorp Genetics (formerly Invitae), Labcorp); PubMed 26823837 (cited by Labcorp Genetics (formerly Invitae), Labcorp); PubMed 7055648 (cited by OMIM).

NM_000402.4(G6PD):c.1451G>A (p.Arg484His)

Gene: G6PD (glucose-6-phosphate dehydrogenase; minus strand). Cytogenetic location: Xq28.
Variant type: single nucleotide variant.
Coding change: c.1451G>A on transcript NM_000402.4; coding-DNA position 1451, G replaced by A.
Protein change: p.Arg484His; replaces arginine 484 with histidine.
Molecular consequence: missense variant.
Genome position (GRCh38, 1-based): chrX:154,532,389, C>T on the plus strand (G>A on the coding strand, the complement: G6PD is on the minus strand). VCF-style: chrX-154532389-C-T. GRCh37 (hg19) VCF-style: chrX-153760604-C-T.
Other names: G6PD, ARG454HIS; G6PD Andalus; c.1361G>A, p.Arg454His (NM_001042351.3, NM_001360016.2); short protein forms R454H, R484H.
Identifiers: ClinVar variation 10379 (VCV000010379.11), dbSNP rs137852324, ClinGen allele CA120976.